The following is an entry in ClinVar:

ClinVar aggregate classification (germline): Uncertain significance. Review status: criteria provided, multiple submitters, no conflicts (2 of 4 stars). 3 submissions from 3 submitters: Uncertain significance (3). Last evaluated 2025-09-01.

Conditions:
Classic or attenuated familial adenomatous polyposis. Identifiers: MedGen CN372698, MONDO:0021057.
Hereditary cancer-predisposing syndrome. Also called: Hereditary neoplastic syndrome; Neoplastic Syndromes, Hereditary; Tumor predisposition; Hereditary Cancer Syndrome. Identifiers: Orphanet 140162, MedGen C0027672, MeSH D009386, MONDO:0015356.
Familial adenomatous polyposis 1 (FAP1). Also called: POLYPOSIS, ADENOMATOUS INTESTINAL; FAMILIAL ADENOMATOUS POLYPOSIS 1, ATTENUATED. Identifiers: MedGen C2713442, MONDO:0021056, OMIM 175100. Disease mechanism: loss of function.

Allele frequency attached by ClinVar (database versions not stated): gnomAD exomes below 0.00001.
gnomAD v4.1: 1 of 1,614,146 alleles (0.000062%); highest among the groups gnomAD compares: Non-Finnish European, 0.000085%; no homozygotes.

Submissions (3):

Ambry Genetics
Classification: Uncertain significance for Hereditary cancer-predisposing syndrome. Last evaluated: 2025-09-01. Review status: criteria provided, single submitter. Criteria: Ambry Variant Classification Scheme 2023. Collection method: clinical testing. Allele origin: germline.
Comment: The p.D1137G variant (also known as c.3410A>G), located in coding exon 15 of the APC gene, results from an A to G substitution at nucleotide position 3410. The aspartic acid at codon 1137 is replaced by glycine, an amino acid with similar properties. This amino acid position is highly conserved in available vertebrate species. In addition, in silico predictors for this gene do not accurately predict pathogenicity. Since supporting evidence is limited at this time, the clinical significance of this alteration remains unclear.

All of Us Research Program, National Institutes of Health
Classification: Uncertain significance for Classic or attenuated familial adenomatous polyposis. Last evaluated: 2023-12-18. Review status: criteria provided, single submitter. Criteria: ACMG Guidelines, 2015. Collection method: clinical testing. Allele origin: germline. Inheritance: Autosomal dominant inheritance. Observed: 1 variant allele, 1 heterozygote.
Comment: This missense variant replaces aspartic acid with glycine at codon 1137 of the APC protein. Computational prediction suggests that this variant may not impact protein structure and function (internally defined REVEL score threshold <= 0.5, PMID: 27666373). To our knowledge, functional studies have not been reported for this variant. This variant has not been reported in individuals affected with APC-related disorders in the literature. This variant has not been identified in the general population by the Genome Aggregation Database (gnomAD). The available evidence is insufficient to determine the role of this variant in disease conclusively. Therefore, this variant is classified as a Variant of Uncertain Significance.

This study involves interpretation of variants in research participants for the purpose of population health screening. Participant phenotype was not available at the time of variant classification. Additional details can be found in publication PMID: 35346344, PMCID: PMC8962531

Labcorp Genetics (formerly Invitae), Labcorp
Classification: Uncertain significance for Familial adenomatous polyposis 1. Last evaluated: 2022-05-14. Review status: criteria provided, single submitter. Criteria: Invitae Variant Classification Sherloc (09022015). Collection method: clinical testing. Allele origin: germline.
Comment: This sequence change replaces aspartic acid, which is acidic and polar, with glycine, which is neutral and non-polar, at codon 1137 of the APC protein (p.Asp1137Gly). This variant is not present in population databases (gnomAD no frequency). This variant has not been reported in the literature in individuals affected with APC-related conditions. ClinVar contains an entry for this variant (Variation ID: 836538). Algorithms developed to predict the effect of missense changes on protein structure and function (SIFT, PolyPhen-2, Align-GVGD) all suggest that this variant is likely to be disruptive. Algorithms developed to predict the effect of sequence changes on RNA splicing suggest that this variant may create or strengthen a splice site. In summary, the available evidence is currently insufficient to determine the role of this variant in disease. Therefore, it has been classified as a Variant of Uncertain Significance.

NM_000038.6(APC):c.3410A>G (p.Asp1137Gly)

Gene: APC (APC regulator of Wnt signaling pathway; plus strand). Cytogenetic location: 5q22.2.
Variant type: single nucleotide variant.
Coding change: c.3410A>G on transcript NM_000038.6 (MANE Select); coding-DNA position 3410, A replaced by G.
Protein change: p.Asp1137Gly; replaces aspartic acid 1137 with glycine.
Molecular consequence: missense variant.
Genome position (GRCh38, 1-based): chr5:112,839,004, A>G. VCF-style: chr5-112839004-A-G. GRCh37 (hg19) VCF-style: chr5-112174701-A-G.
Other names: c.3410A>G, p.Asp1137Gly (NM_001127510.3, NM_001354895.2); c.3356A>G, p.Asp1119Gly (NM_001127511.3); c.3464A>G, p.Asp1155Gly (NM_001354896.2); c.3440A>G, p.Asp1147Gly (NM_001354897.2); c.3335A>G, p.Asp1112Gly (NM_001354898.2); c.3326A>G, p.Asp1109Gly (NM_001354899.2); c.3287A>G, p.Asp1096Gly (NM_001354900.2); c.3233A>G, p.Asp1078Gly (NM_001354901.2); and 5 more; short protein forms D977G, D1036G, D1078G, D1119G, D1137G, D1155G, D1011G, D1046G.
Identifiers: ClinVar variation 836538 (VCV000836538.47), dbSNP rs1765418674, ClinGen allele CA16028808.
Genomic context (GRCh38, chr5:112,839,004, plus strand): 5'-CTAATCATGGAATTAATCAAAATGTAAGCCAGTCTTTGTGTCAAGAAGATGACTATGAAG[A>G]TGATAAGCCTACCAATTATAGTGAACGTTACTCTGAAGAAGAACAGCATGAAGAAGAAGA-3'
Protein context (NP_000029.2, residues 1127-1147): QSLCQEDDYE[Asp1137Gly]DKPTNYSERY